The following is an entry in ClinVar:

ClinVar aggregate classification (germline): Uncertain significance. Review status: criteria provided, multiple submitters, no conflicts (2 of 4 stars). 2 submissions from 2 submitters: Uncertain significance (2). Last evaluated 2025-02-25.

Conditions:
Hereditary cancer-predisposing syndrome. Also called: Neoplastic Syndromes, Hereditary; Hereditary Cancer Syndrome; Tumor predisposition; Hereditary neoplastic syndrome. Identifiers: Orphanet 140162, MedGen C0027672, MeSH D009386, MONDO:0015356.
Ataxia-telangiectasia syndrome (AT). Also called: LOUIS-BAR SYNDROME; Cerebello-oculocutaneous telangiectasia; Immunodeficiency with ataxia telangiectasia; Ataxia-telangiectasia, complementation group D; AT, COMPLEMENTATION GROUP C; Ataxia-telangiectasia, complementation group E. Identifiers: Orphanet 100, MedGen C0004135, MONDO:0008840, OMIM 208900.

Allele frequency attached by ClinVar (database versions not stated): ExAC 0.00001; gnomAD exomes below 0.00001.
gnomAD v4.1: 1 of 1,613,830 alleles (0.000062%); highest among the groups gnomAD compares: East Asian, 0.0022%; no homozygotes.

Submissions (2):

Labcorp Genetics (formerly Invitae), Labcorp
Classification: Uncertain significance for Ataxia-telangiectasia syndrome. Last evaluated: 2025-02-25. Review status: criteria provided, single submitter. Criteria: Invitae Variant Classification Sherloc (09022015). Collection method: clinical testing. Allele origin: germline.
Comment: This sequence change replaces cysteine, which is neutral and slightly polar, with tyrosine, which is neutral and polar, at codon 2835 of the ATM protein (p.Cys2835Tyr). This variant is present in population databases (rs759655842, gnomAD 0.006%). This variant has not been reported in the literature in individuals affected with ATM-related conditions. ClinVar contains an entry for this variant (Variation ID: 485223). Invitae Evidence Modeling of protein sequence and biophysical properties (such as structural, functional, and spatial information, amino acid conservation, physicochemical variation, residue mobility, and thermodynamic stability) has been performed for this missense variant. However, the output from this modeling did not meet the statistical confidence thresholds required to predict the impact of this variant on ATM protein function. In summary, the available evidence is currently insufficient to determine the role of this variant in disease. Therefore, it has been classified as a Variant of Uncertain Significance.

Ambry Genetics
Classification: Uncertain significance for Hereditary cancer-predisposing syndrome. Last evaluated: 2020-10-07. Review status: criteria provided, single submitter. Criteria: Ambry Variant Classification Scheme 2023. Collection method: clinical testing. Allele origin: germline.
Comment: The p.C2835Y variant (also known as c.8504G>A), located in coding exon 57 of the ATM gene, results from a G to A substitution at nucleotide position 8504. The cysteine at codon 2835 is replaced by tyrosine, an amino acid with highly dissimilar properties. This amino acid position is highly conserved in available vertebrate species. In addition, this alteration is predicted to be deleterious by in silico analysis. Since supporting evidence is limited at this time, the clinical significance of this alteration remains unclear.

NM_000051.4(ATM):c.8504G>A (p.Cys2835Tyr)

Genes: ATM (ATM serine/threonine kinase; plus strand), C11orf65 (chromosome 11 open reading frame 65; minus strand). Cytogenetic location: 11q22.3.
Variant type: single nucleotide variant.
Coding change: c.8504G>A on transcript NM_000051.4 (MANE Select); coding-DNA position 8504, G replaced by A.
Protein change: p.Cys2835Tyr; replaces cysteine 2835 with tyrosine.
Molecular consequence: missense variant. On other transcripts: intron variant (2).
Genome position (GRCh38, 1-based): chr11:108,345,828, G>A. VCF-style: chr11-108345828-G-A. GRCh37 (hg19) VCF-style: chr11-108216555-G-A.
Other names: c.8504G>A, p.Cys2835Tyr (NM_001351834.2); c.641-36757C>T (NM_001330368.2); c.695-10536C>T (NM_001351110.2); short protein forms C2835Y.
Identifiers: ClinVar variation 485223 (VCV000485223.12), dbSNP rs759655842, ClinGen allele CA6266375.
Genomic context (GRCh38, chr11:108,345,828, plus strand): 5'-AGAAATATGAAGTCTTCATGGATGTTTGCCAAAATTTTCAACCAGTTTTCCGTTACTTCT[G>A]CATGGAAAAATTCTTGGATCCAGCTATTTGGTTTGAGAAGCGATTGGCTTATACGCGCAG-3'
Protein context (NP_000042.3, residues 2825-2845): QNFQPVFRYF[Cys2835Tyr]MEKFLDPAIW